The following is an entry in ClinVar:

ClinVar aggregate classification (germline): Uncertain significance (1 of 4 stars; one submission).

Conditions:
Hereditary cancer-predisposing syndrome. Also called: Tumor predisposition; Hereditary Cancer Syndrome; Hereditary neoplastic syndrome; Neoplastic Syndromes, Hereditary. Identifiers: Orphanet 140162, MedGen C0027672, MeSH D009386, MONDO:0015356.

Submission:

Ambry Genetics
Classification: Uncertain significance for Hereditary cancer-predisposing syndrome. Last evaluated: 2023-02-23. Review status: criteria provided, single submitter. Criteria: Ambry Variant Classification Scheme 2023. Collection method: clinical testing. Allele origin: germline.
Comment: The p.A2851P variant (also known as c.8551G>C), located in coding exon 57 of the ATM gene, results from a G to C substitution at nucleotide position 8551. The alanine at codon 2851 is replaced by proline, an amino acid with highly similar properties. This amino acid position is conserved. In addition, this alteration is predicted to be deleterious by in silico analysis. Since supporting evidence is limited at this time, the clinical significance of this alteration remains unclear.

NM_000051.4(ATM):c.8551G>C (p.Ala2851Pro)

Genes: ATM (ATM serine/threonine kinase; plus strand), C11orf65 (chromosome 11 open reading frame 65; minus strand). Cytogenetic location: 11q22.3.
Variant type: single nucleotide variant.
Coding change: c.8551G>C on transcript NM_000051.4 (MANE Select); coding-DNA position 8551, G replaced by C.
Protein change: p.Ala2851Pro; replaces alanine 2851 with proline.
Molecular consequence: missense variant. On other transcripts: intron variant (2).
Genome position (GRCh38, 1-based): chr11:108,345,875, G>C. VCF-style: chr11-108345875-G-C. GRCh37 (hg19) VCF-style: chr11-108216602-G-C.
Other names: c.8551G>C, p.Ala2851Pro (NM_001351834.2); c.641-36804C>G (NM_001330368.2); c.695-10583C>G (NM_001351110.2); short protein forms A2851P.
Identifiers: ClinVar variation 2453982 (VCV002453982.2), dbSNP rs2137035686, ClinGen allele CA382518471.
Genomic context (GRCh38, chr11:108,345,875, plus strand): 5'-TTCCGTTACTTCTGCATGGAAAAATTCTTGGATCCAGCTATTTGGTTTGAGAAGCGATTG[G>C]CTTATACGCGCAGTGTAGCTACTTCTTCTATTGGTAATCTTCTTGTACATATAGTAGATT-3'
Protein context (NP_000042.3, residues 2841-2861): DPAIWFEKRL[Ala2851Pro]YTRSVATSSI